The following is an entry in ClinVar:

NM_001039141.3(TRIOBP):c.5167C>A (p.Gln1723Lys)

Gene: TRIOBP (TRIO and F-actin binding protein; plus strand). Cytogenetic location: 22q13.1.
Variant type: single nucleotide variant.
Coding change: c.5167C>A on transcript NM_001039141.3 (MANE Select); coding-DNA position 5167, C replaced by A.
Protein change: p.Gln1723Lys; replaces glutamine 1723 with lysine.
Molecular consequence: missense variant.
Genome position (GRCh38, 1-based): chr22:37,738,702, C>A. VCF-style: chr22-37738702-C-A. GRCh37 (hg19) VCF-style: chr22-38134709-C-A.
Other names: short protein forms Q1723K.
Identifiers: ClinVar variation 229357 (VCV000229357.10), dbSNP rs370224413, ClinGen allele CA10224522.

ClinVar aggregate classification (germline): Uncertain significance. Review status: criteria provided, multiple submitters, no conflicts (2 of 4 stars). 4 submissions from 4 submitters: Uncertain significance (4). Last evaluated 2025-07-07.

Allele frequency attached by ClinVar (database versions not stated): gnomAD exomes 0.00014; TOPMed 0.00014; ExAC 0.00015; ESP Exome Variant Server 0.00016; gnomAD 0.00016 and 0.00017.
gnomAD v4.1: 295 of 1,613,908 alleles (0.018%); highest among the groups gnomAD compares: Non-Finnish European, 0.021%; no homozygotes.

Submissions (4):

GeneDx
Classification: Uncertain significance. Last evaluated: 2025-07-07. Review status: criteria provided, single submitter. Criteria: GeneDx Variant Classification Process June 2021. Collection method: clinical testing. Allele origin: germline. Affected: yes.
Comment: In silico analysis suggests that this missense variant does not alter protein structure/function; This variant is associated with the following publications: (PMID: 27605359)

Labcorp Genetics (formerly Invitae), Labcorp
Classification: Uncertain significance. Last evaluated: 2024-11-03. Review status: criteria provided, single submitter. Criteria: Invitae Variant Classification Sherloc (09022015). Collection method: clinical testing. Allele origin: germline.
Comment: This sequence change replaces glutamine, which is neutral and polar, with lysine, which is basic and polar, at codon 1723 of the TRIOBP protein (p.Gln1723Lys). This variant is present in population databases (rs370224413, gnomAD 0.04%). This variant has not been reported in the literature in individuals affected with TRIOBP-related conditions. ClinVar contains an entry for this variant (Variation ID: 229357). An algorithm developed to predict the effect of missense changes on protein structure and function (PolyPhen-2) suggests that this variant¬†is likely to be tolerated. In summary, the available evidence is currently insufficient to determine the role of this variant in disease. Therefore, it has been classified as a Variant of Uncertain Significance.

Blueprint Genetics
Classification: Uncertain significance. Last evaluated: 2024-10-25. Review status: criteria provided, single submitter. Criteria: ACMG Guidelines, 2015. Collection method: clinical testing. Allele origin: germline.

Laboratory for Molecular Medicine, Mass General Brigham Personalized Medicine
Classification: Uncertain significance. Last evaluated: 2015-10-23. Review status: criteria provided, single submitter. Criteria: LMM Criteria. Collection method: clinical testing. Allele origin: germline. Observed: 1 variant allele.
Comment: Variant classified as Uncertain Significance - Favor Benign. The p.Gln1723Lys va riant in TRIOBP has not been previously reported in individuals with hearing los s, but has been identified in 18/65700 of European chromosomes by the Exome Aggr egation Consortium (ExAC;rs370224413). Although this variant has been seen in the general population, its frequency is not high enough to rule out a pathogenic role. Computational prediction tools and conserv ation analyses suggest that the p.Gln1723Lys variant may not impact the protein, though this information is not predictive enough to rule out pathogenicity. In summary, the clinical significance of the p.Gln1723Lys variant is uncertain.